The following is an entry in ClinVar:

ClinVar aggregate classification (germline): Likely benign. Review status: criteria provided, multiple submitters, no conflicts (2 of 4 stars). 2 submissions from 2 submitters: Likely benign (2). Last evaluated 2026-02-01.

Conditions:
Neurodevelopmental disorder with progressive spasticity and brain white matter abnormalities. Also called: CEREBRAL PALSY, SPASTIC QUADRIPLEGIC, 1. Identifiers: Orphanet 210141, Orphanet 641353, MedGen C5436628, MONDO:0033613, OMIM 619026.

Allele frequency attached by ClinVar (database versions not stated): ExAC 0.00001; gnomAD 0.00001; gnomAD exomes 0.00002; TOPMed 0.00002.
gnomAD v4.1: 33 of 1,612,274 alleles (0.002%); highest among the groups gnomAD compares: Admixed American, 0.01%; no homozygotes.

Submissions (2):

CeGaT Center for Human Genetics Tuebingen
Classification: Likely benign. Last evaluated: 2026-02-01. Review status: criteria provided, single submitter. Criteria: CeGaT Center For Human Genetics Tuebingen Variant Classification Criteria Version 2. Collection method: clinical testing. Allele origin: germline. Affected: yes. Observed: 2 variant alleles.
Comment: GAD1: BP4, BP7

Labcorp Genetics (formerly Invitae), Labcorp
Classification: Likely benign for Neurodevelopmental disorder with progressive spasticity and brain white matter abnormalities. Last evaluated: 2024-03-01. Review status: criteria provided, single submitter. Criteria: Invitae Variant Classification Sherloc (09022015). Collection method: clinical testing. Allele origin: germline.

NM_000817.3(GAD1):c.624G>A (p.Thr208=)

Gene: GAD1 (glutamate decarboxylase 1; plus strand). Cytogenetic location: 2q31.1.
Variant type: single nucleotide variant.
Coding change: c.624G>A on transcript NM_000817.3 (MANE Select); coding-DNA position 624, G replaced by A.
Protein change: p.Thr208=; no amino-acid change (threonine 208 retained).
Molecular consequence: synonymous variant.
Genome position (GRCh38, 1-based): chr2:170,836,869, G>A. VCF-style: chr2-170836869-G-A. GRCh37 (hg19) VCF-style: chr2-171693379-G-A.
Other names: c.624G>A, p.Thr208= (NM_013445.4).
Identifiers: ClinVar variation 1441787 (VCV001441787.11), dbSNP rs781046977, ClinGen allele CA1962654.